The following is an entry in ClinVar:

NM_207034.3(EDN3):c.61C>T (p.Pro21Ser)

Gene: EDN3 (endothelin 3; plus strand). Cytogenetic location: 20q13.32.
Variant type: single nucleotide variant.
Coding change: c.61C>T on transcript NM_207034.3 (MANE Select); coding-DNA position 61, C replaced by T.
Protein change: p.Pro21Ser; replaces proline 21 with serine.
Molecular consequence: missense variant.
Genome position (GRCh38, 1-based): chr20:59,301,418, C>T. VCF-style: chr20-59301418-C-T. GRCh37 (hg19) VCF-style: chr20-57876473-C-T.
Other names: c.61C>T, p.Pro21Ser (NM_001302455.2, NM_001302456.2, NM_001424361.1 and 4 more transcripts); short protein forms P21S.
Identifiers: ClinVar variation 4985433 (VCV004985433.1).

ClinVar aggregate classification (germline): Uncertain significance (1 of 4 stars; one submission).

Conditions:
EDN3-related disorder. Also called: EDN3-related condition.

Submission:

PreventionGenetics, part of Exact Sciences
Classification: Uncertain significance for EDN3-related condition. Last evaluated: 2026-06-22. Review status: criteria provided, single submitter. Criteria: ACMG Guidelines, 2015. Collection method: clinical testing. Allele origin: germline.
Comment: The EDN3 c.61C>T variant is predicted to result in the amino acid substitution p.Pro21Ser. To our knowledge, this variant has not been reported in the literature. This variant is reported in 0.00093% of alleles in individuals of European (Non-Finnish) descent in gnomAD. At this time, the clinical significance of this variant is uncertain due to the absence of conclusive functional and genetic evidence.